The following is an entry in ClinVar:

ClinVar aggregate classification (germline): Pathogenic (1 of 4 stars; one submission).

Submission:

Labcorp Genetics (formerly Invitae), Labcorp
Classification: Pathogenic. Last evaluated: 2023-06-24. Review status: criteria provided, single submitter. Criteria: Invitae Variant Classification Sherloc (09022015). Collection method: clinical testing. Allele origin: germline.
Comment: For these reasons, this variant has been classified as Pathogenic. This variant disrupts a region of the F11 protein in which other variant(s) (p.Cys56Arg) have been determined to be pathogenic (PMID: 11895778, 16079124, 20398070, 28960694). This suggests that this is a clinically significant region of the protein, and that variants that disrupt it are likely to be disease-causing. Algorithms developed to predict the effect of sequence changes on RNA splicing suggest that this variant may disrupt the consensus splice site. This variant has not been reported in the literature in individuals affected with F11-related conditions. This variant is not present in population databases (gnomAD no frequency). This sequence change affects the initiator methionine of the F11 mRNA. The next in-frame methionine is located at codon 120.

Literature cited by the submitters: PubMed 11895778; PubMed 16079124; PubMed 20398070; PubMed 28960694.

NM_000128.4(F11):c.-1-4_11del

Gene: F11 (coagulation factor XI; plus strand). Cytogenetic location: 4q35.2.
Variant type: Deletion.
Coding change: c.-1-4_11del on transcript NM_000128.4 (MANE Select); 4 bases into the intron before 1 bases upstream of the start codon through coding-DNA position 11, 16 bases deleted (GTAGGATGATTTTCTT).
Molecular consequence: splice acceptor variant, initiator codon variant.
Genome position (GRCh38, 1-based): chr4:186,267,132-186,267,147, GTAGGATGATTTTCTT deleted; deleting any 16 consecutive bases within chr4:186,267,130-186,267,147 gives the same sequence; the c. name uses the placement nearest the transcript's 3' end. VCF-style (leftmost placement, unchanged base first): chr4-186267129-ATTGTAGGATGATTTTC-A. GRCh37 (hg19) VCF-style: chr4-187188283-ATTGTAGGATGATTTTC-A.
Other names: c.-1-4_11del (NM_001354804.2).
Identifiers: ClinVar variation 2715165 (VCV002715165.3), dbSNP rs2477147706, ClinGen allele CA2697547000.